The following is an entry in ClinVar:

NM_001172509.2(SATB2):c.143A>C (p.Asn48Thr)

Gene: SATB2 (SATB homeobox 2; minus strand). Cytogenetic location: 2q33.1.
Variant type: single nucleotide variant.
Coding change: c.143A>C on transcript NM_001172509.2 (MANE Select); coding-DNA position 143, A replaced by C.
Protein change: p.Asn48Thr; replaces asparagine 48 with threonine.
Molecular consequence: missense variant. On other transcripts: non-coding transcript variant (1).
Genome position (GRCh38, 1-based): chr2:199,455,895, T>G on the plus strand (A>C on the coding strand, the complement: SATB2 is on the minus strand). VCF-style: chr2-199455895-T-G. GRCh37 (hg19) VCF-style: chr2-200320618-T-G.
Other names: c.143A>C, p.Asn48Thr (NM_001172517.1, NM_015265.4); short protein forms N48T.
Identifiers: ClinVar variation 2817191 (VCV002817191.3), dbSNP rs1467878282, ClinGen allele CA350388393.
Genomic context (GRCh38, chr2:199,455,895, plus strand): 5'-GCGGGCTGCGCGCCTCCCTGCTCCGGGCTGTTACCTCCCACGGCCTTGGCCACGGCGCCG[T>G]TGGGCCTCCCGCGGGCTCCCATGGGGCTGCCGTTCTGCTCCAGCCGGGCCACCTTCACTG-3'
Protein context (NP_001165980.1, residues 38-58): GSPMGARGRP[Asn48Thr]GAVAKAVGGL

ClinVar aggregate classification (germline): Uncertain significance (1 of 4 stars; one submission).

Conditions:
Chromosome 2q32-q33 deletion syndrome (GLASS). Also called: 2q33.1 deletion syndrome; Glass syndrome. Identifiers: Orphanet 251019, MedGen C2676739, MONDO:0012864, OMIM 612313.

Submission:

Labcorp Genetics (formerly Invitae), Labcorp
Classification: Uncertain significance for Chromosome 2q32-q33 deletion syndrome. Last evaluated: 2022-11-28. Review status: criteria provided, single submitter. Criteria: Invitae Variant Classification Sherloc (09022015). Collection method: clinical testing. Allele origin: germline.
Comment: This variant is not present in population databases (gnomAD no frequency). This variant has not been reported in the literature in individuals affected with SATB2-related conditions. Advanced modeling of protein sequence and biophysical properties (such as structural, functional, and spatial information, amino acid conservation, physicochemical variation, residue mobility, and thermodynamic stability) performed at Invitae indicates that this missense variant is not expected to disrupt SATB2 protein function. In summary, the available evidence is currently insufficient to determine the role of this variant in disease. Therefore, it has been classified as a Variant of Uncertain Significance. This sequence change replaces asparagine, which is neutral and polar, with threonine, which is neutral and polar, at codon 48 of the SATB2 protein (p.Asn48Thr).